The following is an entry in ClinVar:

NM_001065.4(TNFRSF1A):c.1354A>T (p.Ser452Cys)

Gene: TNFRSF1A (TNF receptor superfamily member 1A; minus strand). Cytogenetic location: 12p13.31.
Variant type: single nucleotide variant.
Coding change: c.1354A>T on transcript NM_001065.4 (MANE Select); coding-DNA position 1354, A replaced by T.
Protein change: p.Ser452Cys; replaces serine 452 with cysteine.
Molecular consequence: missense variant. On other transcripts: non-coding transcript variant (1).
Genome position (GRCh38, 1-based): chr12:6,329,326, T>A on the plus strand (A>T on the coding strand, the complement: TNFRSF1A is on the minus strand). VCF-style: chr12-6329326-T-A. GRCh37 (hg19) VCF-style: chr12-6438492-T-A.
Other names: c.1030A>T, p.Ser344Cys (NM_001346091.2); c.895A>T, p.Ser299Cys (NM_001346092.2); short protein forms S299C, S344C, S452C.
Identifiers: ClinVar variation 657575 (VCV000657575.11), dbSNP rs200346150, ClinGen allele CA383544227.

ClinVar aggregate classification (germline): Uncertain significance. Review status: criteria provided, multiple submitters, no conflicts (2 of 4 stars). 2 submissions from 2 submitters: Uncertain significance (2). Last evaluated 2025-02-16.

Conditions:
TNF receptor-associated periodic fever syndrome (TRAPS) (FPF). Also called: Autosomal Dominant Familial Periodic Fever; TNF Receptor-Associated Periodic Fever Syndrome; FAMILIAL HIBERNIAN FEVER; TNF receptor 1-associated periodic fever syndrome; TNF RECEPTOR-ASSOCIATED PERIODIC SYNDROME; TUMOR NECROSIS FACTOR RECEPTOR-ASSOCIATED PERIODIC SYNDROME. Identifiers: Orphanet 32960, MedGen C1275126, MONDO:0007727, OMIM 142680.
TNFRSF1A-related disorder. Also called: TNFRSF1A-related condition.

gnomAD v4.1: 16 of 1,473,186 alleles (0.0011%); highest among the groups gnomAD compares: Non-Finnish European, 0.0012%; no homozygotes.

Submissions (2):

Labcorp Genetics (formerly Invitae), Labcorp
Classification: Uncertain significance for TNF receptor-associated periodic fever syndrome (TRAPS). Last evaluated: 2025-02-16. Review status: criteria provided, single submitter. Criteria: Invitae Variant Classification Sherloc (09022015). Collection method: clinical testing. Allele origin: germline.
Comment: This sequence change replaces serine, which is neutral and polar, with cysteine, which is neutral and slightly polar, at codon 452 of the TNFRSF1A protein (p.Ser452Cys). This variant is not present in population databases (gnomAD no frequency). This variant has not been reported in the literature in individuals affected with TNFRSF1A-related conditions. ClinVar contains an entry for this variant (Variation ID: 657575). Invitae Evidence Modeling of protein sequence and biophysical properties (such as structural, functional, and spatial information, amino acid conservation, physicochemical variation, residue mobility, and thermodynamic stability) indicates that this missense variant is not expected to disrupt TNFRSF1A protein function with a negative predictive value of 95%. In summary, the available evidence is currently insufficient to determine the role of this variant in disease. Therefore, it has been classified as a Variant of Uncertain Significance.

PreventionGenetics, part of Exact Sciences
Classification: Uncertain significance for TNFRSF1A-related condition. Last evaluated: 2024-11-21. Review status: criteria provided, single submitter. Criteria: ACMG Guidelines, 2015. Collection method: clinical testing. Allele origin: germline.
Comment: The TNFRSF1A c.1354A>T variant is predicted to result in the amino acid substitution p.Ser452Cys. To our knowledge, this variant has not been reported in the literature or in a large population database, indicating this variant is rare. At this time, the clinical significance of this variant is uncertain due to the absence of conclusive functional and genetic evidence.